The following is an entry in ClinVar:

ClinVar aggregate classification (germline): Uncertain significance (1 of 4 stars; one submission).

Submission:

CeGaT Center for Human Genetics Tuebingen
Classification: Uncertain significance. Last evaluated: 2026-02-01. Review status: criteria provided, single submitter. Criteria: CeGaT Center For Human Genetics Tuebingen Variant Classification Criteria Version 2. Collection method: clinical testing. Allele origin: germline. Affected: yes. Observed: 1 variant allele.
Comment: GRIN2B: PM1, PM2, PP2

NM_000834.5(GRIN2B):c.1961T>A (p.Met654Lys)

Gene: GRIN2B (glutamate ionotropic receptor NMDA type subunit 2B; minus strand). Cytogenetic location: 12p13.1.
Variant type: single nucleotide variant.
Coding change: c.1961T>A on transcript NM_000834.5 (MANE Select); coding-DNA position 1961, T replaced by A.
Protein change: p.Met654Lys; replaces methionine 654 with lysine.
Molecular consequence: missense variant.
Genome position (GRCh38, 1-based): chr12:13,608,652, A>T on the plus strand (T>A on the coding strand, the complement: GRIN2B is on the minus strand). VCF-style: chr12-13608652-A-T. GRCh37 (hg19) VCF-style: chr12-13761586-A-T.
Other names: c.1961T>A, p.Met654Lys (NM_001413992.1); short protein forms M654K.
Identifiers: ClinVar variation 4823402 (VCV004823402.4).